The following is an entry in ClinVar:

NM_000059.4(BRCA2):c.1628A>G (p.His543Arg)

Gene: BRCA2 (BRCA2 DNA repair associated; plus strand). Cytogenetic location: 13q13.1.
Variant type: single nucleotide variant.
Coding change: c.1628A>G on transcript NM_000059.4 (MANE Select); coding-DNA position 1628, A replaced by G.
Protein change: p.His543Arg; replaces histidine 543 with arginine.
Molecular consequence: missense variant.
Genome position (GRCh38, 1-based): chr13:32,333,106, A>G. VCF-style: chr13-32333106-A-G. GRCh37 (hg19) VCF-style: chr13-32907243-A-G.
Other names: short protein forms H543R.
Identifiers: ClinVar variation 483106 (VCV000483106.17), dbSNP rs1555281992, ClinGen allele CA387764922.

ClinVar aggregate classification (germline): Conflicting classifications of pathogenicity. Review status: criteria provided, conflicting classifications (1 of 4 stars). 3 submissions from 3 submitters: Uncertain significance (2); Likely benign (1). Last evaluated 2024-09-08.

Conditions:
Hereditary breast ovarian cancer syndrome. Also called: Hereditary breast and ovarian cancer syndrome; Hereditary breast and ovarian cancer; Hereditary breast and ovarian cancer syndrome (HBOC); Breast and ovarian cancer; Hereditary breast and/or ovarian cancer syndrome; BRCA1- and BRCA2-Associated Hereditary Breast and Ovarian Cancer. Identifiers: Orphanet 145, MedGen C0677776, MeSH D061325, MONDO:0003582. Disease mechanism: loss of function.
Hereditary cancer-predisposing syndrome. Also called: Neoplastic Syndromes, Hereditary; Tumor predisposition; Hereditary Cancer Syndrome; Hereditary neoplastic syndrome. Identifiers: Orphanet 140162, MedGen C0027672, MeSH D009386, MONDO:0015356.

Submissions (3):

Ambry Genetics
Classification: Uncertain significance for Hereditary cancer-predisposing syndrome. Last evaluated: 2024-09-08. Review status: criteria provided, single submitter. Criteria: Ambry Variant Classification Scheme 2023. Collection method: clinical testing. Allele origin: germline.
Comment: The p.H543R variant (also known as c.1628A>G), located in coding exon 9 of the BRCA2 gene, results from an A to G substitution at nucleotide position 1628. The histidine at codon 543 is replaced by arginine, an amino acid with highly similar properties. This amino acid position is poorly conserved in available vertebrate species. In addition, this alteration is predicted to be tolerated by in silico analysis. Since supporting evidence is limited at this time, the clinical significance of this alteration remains unclear.

Labcorp Genetics (formerly Invitae), Labcorp
Classification: Uncertain significance for Hereditary breast ovarian cancer syndrome. Last evaluated: 2024-04-05. Review status: criteria provided, single submitter. Criteria: Invitae Variant Classification Sherloc (09022015). Collection method: clinical testing. Allele origin: germline.
Comment: This sequence change replaces histidine, which is basic and polar, with arginine, which is basic and polar, at codon 543 of the BRCA2 protein (p.His543Arg). This variant is not present in population databases (gnomAD no frequency). This variant has not been reported in the literature in individuals affected with BRCA2-related conditions. ClinVar contains an entry for this variant (Variation ID: 483106). Advanced modeling of protein sequence and biophysical properties (such as structural, functional, and spatial information, amino acid conservation, physicochemical variation, residue mobility, and thermodynamic stability) performed at Invitae indicates that this missense variant is not expected to disrupt BRCA2 protein function with a negative predictive value of 95%. In summary, the available evidence is currently insufficient to determine the role of this variant in disease. Therefore, it has been classified as a Variant of Uncertain Significance.

University of Washington Department of Laboratory Medicine, University of Washington
Classification: Likely benign for Hereditary cancer-predisposing syndrome. Last evaluated: 2023-03-23. Review status: criteria provided, single submitter. Criteria: Dines et al. (Genet Med. 2020). Collection method: curation. Allele origin: germline.
Comment: Missense variant in a coldspot region where missense variants are very unlikely to be pathogenic (PMID:31911673).

BRCA2 exon 10 coldspot. Reclassification based on statistical prior probability.